The following is an entry in ClinVar:

ClinVar aggregate classification (germline): Uncertain significance. Review status: criteria provided, multiple submitters, no conflicts (2 of 4 stars). 5 submissions from 5 submitters: Uncertain significance (3). 2 of the submissions do not count toward it. Last evaluated 2025-04-13.

Conditions:
Erythrokeratodermia variabilis et progressiva 6. Identifiers: MedGen C5193144, MONDO:0032801, OMIM 618531.
Progressive familial heart block type IB (PFHB1B). Identifiers: Orphanet 871, MedGen C1970298, MONDO:0011474, OMIM 604559.
Cardiovascular phenotype. Identifiers: MedGen CN230736.

Allele frequency attached by ClinVar (database versions not stated): ExAC 0.00002; gnomAD 0.00002; gnomAD exomes 0.00002; TOPMed 0.00003; ESP Exome Variant Server 0.00008.
gnomAD v4.1: 29 of 1,613,468 alleles (0.0018%); highest among the groups gnomAD compares: Admixed American, 0.0033%; no homozygotes.

Submissions (5):

Labcorp Genetics (formerly Invitae), Labcorp
Classification: Uncertain significance for Progressive familial heart block type IB. Last evaluated: 2025-04-13. Review status: criteria provided, single submitter. Criteria: Invitae Variant Classification Sherloc (09022015). Collection method: clinical testing. Allele origin: germline.
Comment: This sequence change replaces glycine, which is neutral and non-polar, with serine, which is neutral and polar, at codon 998 of the TRPM4 protein (p.Gly998Ser). This variant is present in population databases (rs144702920, gnomAD 0.006%). This variant has not been reported in the literature in individuals affected with TRPM4-related conditions. ClinVar contains an entry for this variant (Variation ID: 1328064). An algorithm developed to predict the effect of missense changes on protein structure and function (PolyPhen-2) suggests that this variant is likely to be disruptive. In summary, the available evidence is currently insufficient to determine the role of this variant in disease. Therefore, it has been classified as a Variant of Uncertain Significance.

Ambry Genetics
Classification: Uncertain significance for Cardiovascular phenotype. Last evaluated: 2023-04-14. Review status: criteria provided, single submitter. Criteria: Ambry Variant Classification Scheme 2023. Collection method: clinical testing. Allele origin: germline.
Comment: The p.G998S variant (also known as c.2992G>A), located in coding exon 20 of the TRPM4 gene, results from a G to A substitution at nucleotide position 2992. The glycine at codon 998 is replaced by serine, an amino acid with similar properties. This variant was detected in an arrhythmia genetic testing cohort; however, clinical details were limited, and additional cardiac variants were detected (van Lint FHM et al. Neth Heart J, 2019 Jun;27:304-309). This amino acid position is well conserved in available vertebrate species. In addition, this alteration is predicted to be tolerated by in silico analysis. Since supporting evidence is limited at this time, the clinical significance of this alteration remains unclear.

Fulgent Genetics
Classification: Uncertain significance for Progressive familial heart block type IB; Erythrokeratodermia variabilis et progressiva 6. Last evaluated: 2021-07-19. Review status: criteria provided, single submitter. Criteria: ACMG Guidelines, 2015. Collection method: clinical testing. Allele origin: unknown.

Clinical Genetics DNA and cytogenetics Diagnostics Lab, Erasmus MC, Erasmus Medical Center
Classification: Uncertain significance. Review status: no assertion criteria provided. Collection method: clinical testing. Allele origin: germline. Affected: yes. Study: VKGL Data-share Consensus. Not counted in ClinVar's aggregate classification.

Clinical Genetics, Academic Medical Center
Classification: Uncertain significance. Review status: no assertion criteria provided. Collection method: clinical testing. Allele origin: germline. Affected: yes. Study: VKGL Data-share Consensus. Not counted in ClinVar's aggregate classification.

Literature cited by the submitters: PubMed 30847666 (cited by Ambry Genetics).

NM_017636.4(TRPM4):c.2992G>A (p.Gly998Ser)

Gene: TRPM4 (transient receptor potential cation channel subfamily M member 4; plus strand). Cytogenetic location: 19q13.33.
Variant type: single nucleotide variant.
Coding change: c.2992G>A on transcript NM_017636.4 (MANE Select); coding-DNA position 2992, G replaced by A.
Protein change: p.Gly998Ser; replaces glycine 998 with serine.
Molecular consequence: missense variant.
Genome position (GRCh38, 1-based): chr19:49,202,002, G>A. VCF-style: chr19-49202002-G-A. GRCh37 (hg19) VCF-style: chr19-49705259-G-A.
Other names: c.2557G>A, p.Gly853Ser (NM_001195227.2); c.2647G>A, p.Gly883Ser (NM_001321281.2); c.1384G>A, p.Gly462Ser (NM_001321282.2); c.2470G>A, p.Gly824Ser (NM_001321283.2); c.1930G>A, p.Gly644Ser (NM_001321285.2); short protein forms G462S, G644S, G824S, G853S, G883S, G998S.
Identifiers: ClinVar variation 1328064 (VCV001328064.14), dbSNP rs144702920, ClinGen allele CA9569738.